The following is an entry in ClinVar:

ClinVar aggregate classification (germline): Uncertain significance. Review status: criteria provided, multiple submitters, no conflicts (2 of 4 stars). 2 submissions from 2 submitters: Uncertain significance (2). Last evaluated 2022-07-29.

Allele frequency attached by ClinVar (database versions not stated): ExAC 0.00002; gnomAD exomes 0.00002; gnomAD 0.00003; TOPMed 0.00004.
gnomAD v4.1: 34 of 1,613,884 alleles (0.0021%); highest among the groups gnomAD compares: Non-Finnish European, 0.00017%; no homozygotes.

Submissions (2):

Labcorp Genetics (formerly Invitae), Labcorp
Classification: Uncertain significance. Last evaluated: 2022-07-29. Review status: criteria provided, single submitter. Criteria: Invitae Variant Classification Sherloc (09022015). Collection method: clinical testing. Allele origin: germline.
Comment: This sequence change replaces lysine, which is basic and polar, with threonine, which is neutral and polar, at codon 654 of the LARS protein (p.Lys654Thr). This variant is present in population databases (rs753063746, gnomAD 0.1%). This variant has not been reported in the literature in individuals affected with LARS-related conditions. Algorithms developed to predict the effect of missense changes on protein structure and function are either unavailable or do not agree on the potential impact of this missense change (SIFT: "Not Available"; PolyPhen-2: "Benign"; Align-GVGD: "Not Available"). In summary, the available evidence is currently insufficient to determine the role of this variant in disease. Therefore, it has been classified as a Variant of Uncertain Significance.

GeneDx
Classification: Uncertain significance. Last evaluated: 2022-05-26. Review status: criteria provided, single submitter. Criteria: GeneDx Variant Classification Process June 2021. Collection method: clinical testing. Allele origin: germline. Affected: yes.
Comment: In silico analysis supports that this missense variant does not alter protein structure/function; Has not been previously published as pathogenic or benign to our knowledge

NM_020117.11(LARS1):c.1961A>C (p.Lys654Thr)

Gene: LARS1 (leucyl-tRNA synthetase 1; minus strand). Cytogenetic location: 5q32.
Variant type: single nucleotide variant.
Coding change: c.1961A>C on transcript NM_020117.11 (MANE Select); coding-DNA position 1961, A replaced by C.
Protein change: p.Lys654Thr; replaces lysine 654 with threonine.
Molecular consequence: missense variant.
Genome position (GRCh38, 1-based): chr5:146,143,001, T>G on the plus strand (A>C on the coding strand, the complement: LARS1 is on the minus strand). VCF-style: chr5-146143001-T-G. GRCh37 (hg19) VCF-style: chr5-145522564-T-G.
Other names: c.1823A>C, p.Lys608Thr (NM_001317964.2); c.1799A>C, p.Lys600Thr (NM_001317965.2); c.1880A>C, p.Lys627Thr (NM_016460.4); short protein forms K600T, K608T, K627T, K654T.
Identifiers: ClinVar variation 1801027 (VCV001801027.4), dbSNP rs753063746, ClinGen allele CA3489455.